The following is an entry in ClinVar:

ClinVar aggregate classification (germline): Uncertain significance (1 of 4 stars; one submission).

Conditions:
Ataxia-telangiectasia syndrome (AT). Also called: ATAXIA-TELANGIECTASIA, COMPLEMENTATION GROUP A; ATAXIA-TELANGIECTASIA, FRESNO VARIANT; LOUIS-BAR SYNDROME; Ataxia-telangiectasia; Cerebello-oculocutaneous telangiectasia; Immunodeficiency with ataxia telangiectasia. Identifiers: Orphanet 100, MedGen C0004135, MONDO:0008840, OMIM 208900.

Allele frequency attached by ClinVar (database versions not stated): gnomAD exomes below 0.00001.
gnomAD v4.1: 1 of 1,614,000 alleles (0.000062%); highest among the groups gnomAD compares: Non-Finnish European, 0.000085%; no homozygotes.

Submission:

Labcorp Genetics (formerly Invitae), Labcorp
Classification: Uncertain significance for Ataxia-telangiectasia syndrome. Last evaluated: 2021-07-20. Review status: criteria provided, single submitter. Criteria: Invitae Variant Classification Sherloc (09022015). Collection method: clinical testing. Allele origin: germline.
Comment: This variant is not present in population databases (ExAC no frequency). This sequence change replaces leucine with arginine at codon 890 of the ATM protein (p.Leu890Arg). The leucine residue is highly conserved and there is a moderate physicochemical difference between leucine and arginine. This variant has not been reported in the literature in individuals affected with ATM-related conditions. Advanced modeling of protein sequence and biophysical properties (such as structural, functional, and spatial information, amino acid conservation, physicochemical variation, residue mobility, and thermodynamic stability) performed at Invitae indicates that this missense variant is not expected to disrupt ATM protein function. In summary, the available evidence is currently insufficient to determine the role of this variant in disease. Therefore, it has been classified as a Variant of Uncertain Significance.

NM_000051.4(ATM):c.2669T>G (p.Leu890Arg)

Gene: ATM (ATM serine/threonine kinase; plus strand). Cytogenetic location: 11q22.3.
Variant type: single nucleotide variant.
Coding change: c.2669T>G on transcript NM_000051.4 (MANE Select); coding-DNA position 2669, T replaced by G.
Protein change: p.Leu890Arg; replaces leucine 890 with arginine.
Molecular consequence: missense variant.
Genome position (GRCh38, 1-based): chr11:108,268,440, T>G. VCF-style: chr11-108268440-T-G. GRCh37 (hg19) VCF-style: chr11-108139167-T-G.
Other names: c.2669T>G, p.Leu890Arg (NM_001351834.2); short protein forms L890R.
Identifiers: ClinVar variation 1481522 (VCV001481522.8), dbSNP rs1411479824, ClinGen allele CA382545101.